The following is an entry in ClinVar:

ClinVar aggregate classification (germline): Uncertain significance (1 of 4 stars; one submission).

Submission:

Labcorp Genetics (formerly Invitae), Labcorp
Classification: Uncertain significance. Last evaluated: 2022-02-11. Review status: criteria provided, single submitter. Criteria: Invitae Variant Classification Sherloc (09022015). Collection method: clinical testing. Allele origin: germline.
Comment: In summary, the available evidence is currently insufficient to determine the role of this variant in disease. Therefore, it has been classified as a Variant of Uncertain Significance. This variant is not present in population databases (gnomAD no frequency). This variant has not been reported in the literature in individuals affected with COL11A1-related conditions. Algorithms developed to predict the effect of missense changes on protein structure and function (SIFT, PolyPhen-2, Align-GVGD) all suggest that this variant is likely to be disruptive. This sequence change replaces proline, which is neutral and non-polar, with threonine, which is neutral and polar, at codon 496 of the COL11A1 protein (p.Pro496Thr).

NM_001854.4(COL11A1):c.1486C>A (p.Pro496Thr)

Gene: COL11A1 (collagen type XI alpha 1 chain; minus strand). Cytogenetic location: 1p21.1.
Variant type: single nucleotide variant.
Coding change: c.1486C>A on transcript NM_001854.4 (MANE Select); coding-DNA position 1486, C replaced by A.
Protein change: p.Pro496Thr; replaces proline 496 with threonine.
Molecular consequence: missense variant. On other transcripts: non-coding transcript variant (1).
Genome position (GRCh38, 1-based): chr1:103,015,670, G>T on the plus strand (C>A on the coding strand, the complement: COL11A1 is on the minus strand). VCF-style: chr1-103015670-G-T. GRCh37 (hg19) VCF-style: chr1-103481226-G-T.
Other names: c.1138C>A, p.Pro380Thr (NM_001168249.1, NM_080630.4); c.1369C>A, p.Pro457Thr (NM_001190709.2); c.1522C>A, p.Pro508Thr (NM_080629.3); short protein forms P496T, P508T, P380T, P457T.
Identifiers: ClinVar variation 2096406 (VCV002096406.4), dbSNP rs1157193227, ClinGen allele CA341179433.